The following is an entry in ClinVar:

NM_020631.6(PLEKHG5):c.638C>T (p.Ala213Val)

Gene: PLEKHG5 (pleckstrin homology and RhoGEF domain containing G5; minus strand). Cytogenetic location: 1p36.31.
Variant type: single nucleotide variant.
Coding change: c.638C>T on transcript NM_020631.6 (MANE Select); coding-DNA position 638, C replaced by T.
Protein change: p.Ala213Val; replaces alanine 213 with valine.
Molecular consequence: missense variant.
Genome position (GRCh38, 1-based): chr1:6,473,408, G>A on the plus strand (C>T on the coding strand, the complement: PLEKHG5 is on the minus strand). VCF-style: chr1-6473408-G-A. GRCh37 (hg19) VCF-style: chr1-6533468-G-A.
Other names: c.749C>T, p.Ala250Val (NM_001042663.3, NM_001265592.2); c.638C>T, p.Ala213Val (NM_001042664.2, NM_001042665.2, NM_001265594.3 and 1 more transcripts); c.845C>T, p.Ala282Val (NM_001265593.2); short protein forms A213V, A282V, A250V.
Identifiers: ClinVar variation 245661 (VCV000245661.7), dbSNP rs367543633, ClinGen allele CA561779.

ClinVar aggregate classification (germline): Uncertain significance. Review status: criteria provided, multiple submitters, no conflicts (2 of 4 stars). 2 submissions from 2 submitters: Uncertain significance (2). Last evaluated 2022-05-09.

Conditions:
Neuronopathy, distal hereditary motor, autosomal recessive 4. Also called: NEUROPATHY, DISTAL HEREDITARY MOTOR, AUTOSOMAL RECESSIVE 4; Autosomal recessive lower motor neuron disease with childhood onset. Identifiers: Orphanet 206580, MedGen C1970211, MONDO:0012608, OMIM 611067.
Charcot-Marie-Tooth disease recessive intermediate C. Also called: CHARCOT-MARIE-TOOTH NEUROPATHY, RECESSIVE INTERMEDIATE C. Identifiers: Orphanet 369867, MedGen C3809309, MONDO:0014154, OMIM 615376.

Allele frequency attached by ClinVar (database versions not stated): gnomAD exomes 0.00001; gnomAD 0.00004 and 0.00005; TOPMed 0.00005; ExAC 0.00007; ESP Exome Variant Server 0.00009.
gnomAD v4.1: 90 of 1,543,180 alleles (0.0058%); highest among the groups gnomAD compares: Non-Finnish European, 0.0071%; 1 homozygote.

Submissions (2):

Labcorp Genetics (formerly Invitae), Labcorp
Classification: Uncertain significance for Neuronopathy, distal hereditary motor, autosomal recessive 4; Charcot-Marie-Tooth disease recessive intermediate C. Last evaluated: 2022-05-09. Review status: criteria provided, single submitter. Criteria: Invitae Variant Classification Sherloc (09022015). Collection method: clinical testing. Allele origin: germline.
Comment: This sequence change replaces alanine, which is neutral and non-polar, with valine, which is neutral and non-polar, at codon 213 of the PLEKHG5 protein (p.Ala213Val). The frequency data for this variant in the population databases is considered unreliable, as metrics indicate poor data quality at this position in the gnomAD database. This variant has not been reported in the literature in individuals affected with PLEKHG5-related conditions. ClinVar contains an entry for this variant (Variation ID: 245661). Algorithms developed to predict the effect of missense changes on protein structure and function output the following: SIFT: "Tolerated"; PolyPhen-2: "Benign"; Align-GVGD: "Class C0". The valine amino acid residue is found in multiple mammalian species, which suggests that this missense change does not adversely affect protein function. Algorithms developed to predict the effect of sequence changes on RNA splicing suggest that this variant may create or strengthen a splice site. In summary, the available evidence is currently insufficient to determine the role of this variant in disease. Therefore, it has been classified as a Variant of Uncertain Significance.

GeneDx
Classification: Uncertain significance. Last evaluated: 2016-05-05. Review status: criteria provided, single submitter. Criteria: GeneDx Variant Classification (06012015). Collection method: clinical testing. Allele origin: germline. Affected: yes.
Comment: The A213V variant has not been published as a pathogenic variant, nor has it been reported as a benign variant to our knowledge. The A213V variant was not observed with any significant frequency in approximately 5,900 individuals of European and African American ancestry in the NHLBI Exome Sequencing Project. Several in-silico splice prediction models predict that c.638C>T creates a cryptic donor site upstream of the natural donor site in exon 8 which may supplant the natural donor site and lead to abnormal gene splicing. However, in the absence of RNA/functional studies, the actual effect of this sequence change in this individual is unknown. If the c.638C>T variant does not effect splicing, it will result in a A213V missense variant. The A213V variant is a conservative amino acid substitution, which is not likely to impact secondary protein structure as these residues share similar properties. This substitution occurs at a position that is not conserved and Valine is seen in more distanly related species. In silico analysis predicts this variant likely does not alter the protein structure/function. Based on the currently available information, it is unclear whether this variant is a pathogenic variant or a rare benign variant.